The following is an entry in ClinVar:

ClinVar aggregate classification (germline): Pathogenic. Review status: reviewed by expert panel (3 of 4 stars). 3 submissions from 3 submitters: Pathogenic (1). 2 of the submissions do not count toward it. Last evaluated 2016-09-08.

Conditions:
Hereditary cancer-predisposing syndrome. Also called: Neoplastic Syndromes, Hereditary; Hereditary neoplastic syndrome; Tumor predisposition; Hereditary Cancer Syndrome. Identifiers: Orphanet 140162, MedGen C0027672, MeSH D009386, MONDO:0015356.
Breast-ovarian cancer, familial, susceptibility to, 2 (BROVCA2). Also called: BRCA2 Hereditary Breast and Ovarian Cancer. Identifiers: Orphanet 145, MedGen C2675520, MONDO:0012933, OMIM 612555. Disease mechanism: loss of function.

Submissions (3):

Evidence-based Network for the Interpretation of Germline Mutant Alleles (ENIGMA)
Classification: Pathogenic for Breast-ovarian cancer, familial, susceptibility to, 2. Last evaluated: 2016-09-08. Review status: reviewed by expert panel. Criteria: ENIGMA BRCA1/2 Classification Criteria (2015). Collection method: curation. Allele origin: germline.
Comment: Variant allele predicted to encode a truncated non-functional protein.

Ambry Genetics
Classification: Pathogenic for Hereditary cancer-predisposing syndrome. Last evaluated: 2026-05-18. Review status: criteria provided, single submitter. Criteria: Ambry Variant Classification Scheme 2023. Collection method: clinical testing. Allele origin: germline. Not counted in ClinVar's aggregate classification.
Comment: The c.9060delT pathogenic mutation, located in coding exon 22 of the BRCA2 gene, results from a deletion of one nucleotide at nucleotide position 9060, causing a translational frameshift with a predicted alternate stop codon (p.E3021Kfs*7). This variant is considered to be rare based on population cohorts in the Genome Aggregation Database (gnomAD). This variant is expected to result in loss of function by premature protein truncation or nonsense-mediated mRNA decay. As such, this variant is interpreted as a disease-causing mutation.

Sharing Clinical Reports Project (SCRP)
Classification: Pathogenic for Breast-ovarian cancer, familial 2. Last evaluated: 2007-08-03. Review status: no assertion criteria provided. Collection method: clinical testing. Allele origin: germline. Not counted in ClinVar's aggregate classification.

NM_000059.4(BRCA2):c.9060del (p.Glu3021fs)

Gene: BRCA2 (BRCA2 DNA repair associated; plus strand). Cytogenetic location: 13q13.1.
Variant type: Deletion.
Coding change: c.9060del on transcript NM_000059.4 (MANE Select); coding-DNA position 9060, one base deleted (T; older notation c.9060delT).
Protein change: p.Glu3021fs; shifts the reading frame from glutamic acid 3021.
Molecular consequence: frameshift variant.
Genome position (GRCh38, 1-based): chr13:32,379,856, T deleted. VCF-style (leftmost placement, unchanged base first): chr13-32379855-CT-C. GRCh37 (hg19) VCF-style: chr13-32953992-CT-C.
Other names: 9288delT; c.9060delT (NM_000059.3); short protein forms E3021fs.
Identifiers: ClinVar variation 91516 (VCV000091516.3), dbSNP rs398122609, ClinGen allele CA025953.
Genomic context (GRCh38, chr13:32,379,855, plus strand): 5'-TAACAGAAGGAAAGAGATACAGAATTTATCATCTTGCAACTTCAAAATCTAAAAGTAAAT[CT>C]GAAAGAGCTAACATACAGTTAGCAGCGACAAAAAAAACTCAGTATCAACAACTACCGGTA-3'